The following is an entry in ClinVar:

NM_015102.5(NPHP4):c.563C>T (p.Thr188Met)

Gene: NPHP4 (nephrocystin 4; minus strand). Cytogenetic location: 1p36.31.
Variant type: single nucleotide variant.
Coding change: c.563C>T on transcript NM_015102.5 (MANE Select); coding-DNA position 563, C replaced by T.
Protein change: p.Thr188Met; replaces threonine 188 with methionine.
Molecular consequence: missense variant. On other transcripts: 5 prime UTR variant (2), non-coding transcript variant (1).
Genome position (GRCh38, 1-based): chr1:5,961,904, G>A on the plus strand (C>T on the coding strand, the complement: NPHP4 is on the minus strand). VCF-style: chr1-5961904-G-A. GRCh37 (hg19) VCF-style: chr1-6021964-G-A.
Other names: p.Thr188Met; c.-667C>T (NM_001291593.2); c.-804C>T (NM_001291594.2); short protein forms T188M.
Identifiers: ClinVar variation 593910 (VCV000593910.16), dbSNP rs200711763, ClinGen allele CA554804.

ClinVar aggregate classification (germline): Uncertain significance. Review status: criteria provided, multiple submitters, no conflicts (2 of 4 stars). 4 submissions from 4 submitters: Uncertain significance (4). Last evaluated 2025-06-12.

Conditions:
Nephronophthisis. Also called: Juvenile Nephronophthisis. Identifiers: Orphanet 655, MedGen C0687120, MONDO:0019005, HP:0000090.

Allele frequency attached by ClinVar (database versions not stated): ESP Exome Variant Server 0.00008; gnomAD exomes 0.00008; ExAC 0.00009; gnomAD 0.00015; TOPMed 0.00015; 1000 Genomes Project 30x 0.00062; 1000 Genomes Project 0.00080.
gnomAD v4.1: 85 of 1,612,812 alleles (0.0053%); highest among the groups gnomAD compares: African/African-American, 0.039%; no homozygotes.

Submissions (4):

Labcorp Genetics (formerly Invitae), Labcorp
Classification: Uncertain significance for Nephronophthisis. Last evaluated: 2025-06-12. Review status: criteria provided, single submitter. Criteria: Invitae Variant Classification Sherloc (09022015). Collection method: clinical testing. Allele origin: germline.
Comment: This sequence change replaces threonine, which is neutral and polar, with methionine, which is neutral and non-polar, at codon 188 of the NPHP4 protein (p.Thr188Met). This variant is present in population databases (rs200711763, gnomAD 0.03%). This missense change has been observed in individual(s) with clinical features of nephronophthisis (PMID: 37230223). ClinVar contains an entry for this variant (Variation ID: 593910). Invitae Evidence Modeling of protein sequence and biophysical properties (such as structural, functional, and spatial information, amino acid conservation, physicochemical variation, residue mobility, and thermodynamic stability) indicates that this missense variant is expected to disrupt NPHP4 protein function with a positive predictive value of 80%. In summary, the available evidence is currently insufficient to determine the role of this variant in disease. Therefore, it has been classified as a Variant of Uncertain Significance.

Blueprint Genetics
Classification: Uncertain significance. Last evaluated: 2024-11-18. Review status: criteria provided, single submitter. Criteria: ACMG Guidelines, 2015. Collection method: clinical testing. Allele origin: germline.

Mayo Clinic Laboratories, Mayo Clinic
Classification: Uncertain significance. Last evaluated: 2021-06-22. Review status: criteria provided, single submitter. Criteria: ACMG Guidelines, 2015. Collection method: clinical testing. Allele origin: germline.

Eurofins Ntd Llc (ga)
Classification: Uncertain significance. Last evaluated: 2018-05-15. Review status: criteria provided, single submitter. Criteria: EGL ClinVar v180209 classification definitions. Collection method: clinical testing. Allele origin: germline. Observed: 2 variant alleles, 2 heterozygotes.

Literature cited by the submitters: PubMed 37230223 (cited by Labcorp Genetics (formerly Invitae), Labcorp).